The following is an entry in ClinVar:

NM_000368.5(TSC1):c.1837C>T (p.Pro613Ser)

Gene: TSC1 (TSC complex subunit 1; minus strand). Cytogenetic location: 9q34.13.
Variant type: single nucleotide variant.
Coding change: c.1837C>T on transcript NM_000368.5 (MANE Select); coding-DNA position 1837, C replaced by T.
Protein change: p.Pro613Ser; replaces proline 613 with serine.
Molecular consequence: missense variant.
Genome position (GRCh38, 1-based): chr9:132,905,741, G>A on the plus strand (C>T on the coding strand, the complement: TSC1 is on the minus strand). VCF-style: chr9-132905741-G-A. GRCh37 (hg19) VCF-style: chr9-135781128-G-A.
Other names: c.1834C>T, p.Pro612Ser (NM_001162426.2); c.1684C>T, p.Pro562Ser (NM_001162427.2); c.1474C>T, p.Pro492Ser (NM_001362177.2); short protein forms P492S, P562S, P612S, P613S.
Identifiers: ClinVar variation 1365603 (VCV001365603.8), dbSNP rs2131819871, ClinGen allele CA375363195.

ClinVar aggregate classification (germline): Uncertain significance (1 of 4 stars; one submission).

Conditions:
Tuberous sclerosis 1 (TSC1). Identifiers: Orphanet 805, MedGen C1854465, MONDO:0008612, OMIM 191100.

Submission:

Labcorp Genetics (formerly Invitae), Labcorp
Classification: Uncertain significance for Tuberous sclerosis 1. Last evaluated: 2024-03-06. Review status: criteria provided, single submitter. Criteria: Invitae Variant Classification Sherloc (09022015). Collection method: clinical testing. Allele origin: germline.
Comment: This sequence change replaces proline, which is neutral and non-polar, with serine, which is neutral and polar, at codon 613 of the TSC1 protein (p.Pro613Ser). This variant is not present in population databases (gnomAD no frequency). This variant has not been reported in the literature in individuals affected with TSC1-related conditions. ClinVar contains an entry for this variant (Variation ID: 1365603). Advanced modeling of protein sequence and biophysical properties (such as structural, functional, and spatial information, amino acid conservation, physicochemical variation, residue mobility, and thermodynamic stability) performed at Invitae indicates that this missense variant is not expected to disrupt TSC1 protein function with a negative predictive value of 95%. In summary, the available evidence is currently insufficient to determine the role of this variant in disease. Therefore, it has been classified as a Variant of Uncertain Significance.